The following is an entry in ClinVar:

NM_007294.4(BRCA1):c.190T>A (p.Cys64Ser)

Gene: BRCA1 (BRCA1 DNA repair associated; minus strand). Cytogenetic location: 17q21.31.
Variant type: single nucleotide variant.
Coding change: c.190T>A on transcript NM_007294.4 (MANE Select); coding-DNA position 190, T replaced by A.
Protein change: p.Cys64Ser; replaces cysteine 64 with serine.
Molecular consequence: missense variant. On other transcripts: non-coding transcript variant (1).
Genome position (GRCh38, 1-based): chr17:43,106,478, A>T on the plus strand (T>A on the coding strand, the complement: BRCA1 is on the minus strand). VCF-style: chr17-43106478-A-T. GRCh37 (hg19) VCF-style: chr17-41258495-A-T.
Other names: c.2T>A, p.Met1Lys (NM_001407571.1, NM_001407853.1, NM_001407879.1 and 58 more transcripts); c.190T>A, p.Cys64Ser (NM_001407581.1, NM_001407582.1, NM_001407583.1 and 168 more transcripts); c.49T>A, p.Cys17Ser (NM_001407692.1, NM_001407694.1, NM_001407695.1 and 99 more transcripts); short protein forms C64S, C17S, M1K.
Identifiers: ClinVar variation 867317 (VCV000867317.24), dbSNP rs80357064, ClinGen allele CA10601787.

ClinVar aggregate classification (germline): Likely pathogenic (0 of 4 stars; one submission).

Conditions:
Breast-ovarian cancer, familial, susceptibility to, 1 (BROVCA1). Also called: BRCA1 Hereditary Breast and Ovarian Cancer; OVARIAN CANCER, SUSCEPTIBILITY TO. Identifiers: Orphanet 145, MedGen C2676676, MONDO:0011450, OMIM 604370. Disease mechanism: loss of function.

Submissions (2):

BRCAlab, Lund University
Classification: Likely pathogenic for Breast-ovarian cancer, familial, susceptibility to, 1. Last evaluated: 2022-08-26. Review status: no assertion criteria provided. Collection method: clinical testing. Allele origin: germline. Affected: yes.

Brotman Baty Institute, University of Washington
No classification provided (evidence only). Condition: Breast-ovarian cancer, familial 1. Review status: no classification provided. Collection method: in vitro. Allele origin: not applicable. Functional consequence: functionally_abnormal. Not counted in ClinVar's aggregate classification.
ClinVar note: "not provided" was previously submitted as the classification for the variant. However, the classification appeared to be based only on an observation of functional data so it was converted to no classification on 2025-07-30.